The following is an entry in ClinVar:

ClinVar aggregate classification (germline): Uncertain significance (1 of 4 stars; one submission).

Submission:

Labcorp Genetics (formerly Invitae), Labcorp
Classification: Uncertain significance. Last evaluated: 2025-06-02. Review status: criteria provided, single submitter. Criteria: Invitae Variant Classification Sherloc (09022015). Collection method: clinical testing. Allele origin: germline.
Comment: This sequence change replaces arginine, which is basic and polar, with glutamine, which is neutral and polar, at codon 157 of the SULF1 protein (p.Arg157Gln). This variant is present in population databases (no rsID available, gnomAD 0.008%). This variant has not been reported in the literature in individuals affected with SULF1-related conditions. ClinVar contains an entry for this variant (Variation ID: 2973933). An algorithm developed to predict the effect of missense changes on protein structure and function (PolyPhen-2) suggests that this variant is likely to be disruptive. In summary, the available evidence is currently insufficient to determine the role of this variant in disease. Therefore, it has been classified as a Variant of Uncertain Significance.

NM_001128205.2(SULF1):c.470G>A (p.Arg157Gln)

Gene: SULF1 (sulfatase 1; plus strand). Cytogenetic location: 8q13.2.
Variant type: single nucleotide variant.
Coding change: c.470G>A on transcript NM_001128205.2 (MANE Select); coding-DNA position 470, G replaced by A.
Protein change: p.Arg157Gln; replaces arginine 157 with glutamine.
Molecular consequence: missense variant. On other transcripts: non-coding transcript variant (6), 5 prime UTR variant (3).
Genome position (GRCh38, 1-based): chr8:69,586,414, G>A. VCF-style: chr8-69586414-G-A. GRCh37 (hg19) VCF-style: chr8-70498649-G-A.
Other names: c.470G>A, p.Arg157Gln (NM_001412851.1, NM_015170.3, NM_001412840.1 and 19 more transcripts); c.284G>A, p.Arg95Gln (NM_001412841.1, NM_001412842.1); c.-57G>A (NM_001412844.1, NM_001412845.1); c.-1232G>A (NM_001412846.1); short protein forms R157Q, R95Q.
Identifiers: ClinVar variation 2973933 (VCV002973933.3), dbSNP rs1387439634, ClinGen allele CA371225191.